The following is an entry in ClinVar:

ClinVar aggregate classification (germline): Uncertain significance. Review status: criteria provided, multiple submitters, no conflicts (2 of 4 stars). 3 submissions from 3 submitters: Uncertain significance (3). Last evaluated 2025-12-06.

Conditions:
Hereditary cancer-predisposing syndrome. Also called: Neoplastic Syndromes, Hereditary; Hereditary neoplastic syndrome; Hereditary Cancer Syndrome; Tumor predisposition. Identifiers: Orphanet 140162, MedGen C0027672, MeSH D009386, MONDO:0015356.
POLD1-related polyposis and colorectal cancer syndrome (CRCS10). Also called: Colorectal cancer, susceptibility to, 10; Colorectal cancer 10; COLORECTAL CANCER, SUSCEPTIBILITY TO, ON CHROMOSOME 19q. Identifiers: Orphanet 220460, MedGen C2675481, MONDO:0012953, OMIM 612591.

Allele frequency attached by ClinVar (database versions not stated): gnomAD exomes below 0.00001; ExAC 0.00001; gnomAD 0.00001; TOPMed 0.00002.
gnomAD v4.1: 2 of 1,611,804 alleles (0.00012%); highest among the groups gnomAD compares: African/African-American, 0.0027%; no homozygotes.

Submissions (3):

Ambry Genetics
Classification: Uncertain significance for Hereditary cancer-predisposing syndrome. Last evaluated: 2025-12-06. Review status: criteria provided, single submitter. Criteria: Ambry Variant Classification Scheme 2023. Collection method: clinical testing. Allele origin: germline.
Comment: The p.E742K variant (also known as c.2224G>A), located in coding exon 17 of the POLD1 gene, results from a G to A substitution at nucleotide position 2224. The glutamic acid at codon 742 is replaced by lysine, an amino acid with similar properties. This amino acid position is conserved. In addition, this alteration is predicted to be tolerated by in silico analysis. Since supporting evidence is limited at this time, the clinical significance of this alteration remains unclear.

Labcorp Genetics (formerly Invitae), Labcorp
Classification: Uncertain significance for POLD1-related polyposis and colorectal cancer syndrome. Last evaluated: 2025-05-15. Review status: criteria provided, single submitter. Criteria: Invitae Variant Classification Sherloc (09022015). Collection method: clinical testing. Allele origin: germline.
Comment: This sequence change replaces glutamic acid, which is acidic and polar, with lysine, which is basic and polar, at codon 742 of the POLD1 protein (p.Glu742Lys). The frequency data for this variant in the population databases is considered unreliable, as metrics indicate poor data quality at this position in the gnomAD database. This variant has not been reported in the literature in individuals affected with POLD1-related conditions. ClinVar contains an entry for this variant (Variation ID: 408037). Invitae Evidence Modeling of protein sequence and biophysical properties (such as structural, functional, and spatial information, amino acid conservation, physicochemical variation, residue mobility, and thermodynamic stability) indicates that this missense variant is not expected to disrupt POLD1 protein function with a negative predictive value of 80%. In summary, the available evidence is currently insufficient to determine the role of this variant in disease. Therefore, it has been classified as a Variant of Uncertain Significance.

GeneDx
Classification: Uncertain significance. Last evaluated: 2023-09-07. Review status: criteria provided, single submitter. Criteria: GeneDx Variant Classification Process June 2021. Collection method: clinical testing. Allele origin: germline. Affected: yes.
Comment: Not observed at significant frequency in large population cohorts (gnomAD); In silico analysis supports that this missense variant does not alter protein structure/function; Has not been previously published as pathogenic or benign to our knowledge

NM_002691.4(POLD1):c.2224G>A (p.Glu742Lys)

Gene: POLD1 (DNA polymerase delta 1, catalytic subunit; plus strand). Cytogenetic location: 19q13.33.
Variant type: single nucleotide variant.
Coding change: c.2224G>A on transcript NM_002691.4 (MANE Select); coding-DNA position 2224, G replaced by A.
Protein change: p.Glu742Lys; replaces glutamic acid 742 with lysine.
Molecular consequence: missense variant. On other transcripts: non-coding transcript variant (1).
Genome position (GRCh38, 1-based): chr19:50,413,495, G>A. VCF-style: chr19-50413495-G-A. GRCh37 (hg19) VCF-style: chr19-50916752-G-A.
Other names: c.2224G>A, p.Glu742Lys (NM_001256849.1); c.2302G>A, p.Glu768Lys (NM_001308632.1); c.2224G>A (NM_002691.2); short protein forms E742K, E768K.
Identifiers: ClinVar variation 408037 (VCV000408037.9), dbSNP rs752937018, ClinGen allele CA9596441.
Genomic context (GRCh38, chr19:50,413,495, plus strand): 5'-GGGTTCGGACGTCAGATGATCGAGAAAACCAAGCAGCTGGTGGAGTCTAAGTACACAGTG[G>A]AGAATGGCTACAGCACCAGTGCCAAGGTCGGGGGCTGCCCACCGCTGCCCTGAGATGGGC-3'
Protein context (NP_002682.2, residues 732-752): KQLVESKYTV[Glu742Lys]NGYSTSAKVV